The following is an entry in ClinVar:

NM_001382241.1(TNPO2):c.2065G>A (p.Gly689Arg)

Gene: TNPO2 (transportin 2; minus strand). Cytogenetic location: 19p13.13.
Variant type: single nucleotide variant.
Coding change: c.2065G>A on transcript NM_001382241.1 (MANE Select); coding-DNA position 2065, G replaced by A.
Protein change: p.Gly689Arg; replaces glycine 689 with arginine.
Molecular consequence: missense variant. On other transcripts: non-coding transcript variant (6).
Genome position (GRCh38, 1-based): chr19:12,703,759, C>T on the plus strand (G>A on the coding strand, the complement: TNPO2 is on the minus strand). VCF-style: chr19-12703759-C-T. GRCh37 (hg19) VCF-style: chr19-12814573-C-T.
Other names: c.2065G>A, p.Gly689Arg (NM_001136195.2, NM_001136196.2, NM_001382236.1 and 7 more transcripts); short protein forms G689R.
Identifiers: ClinVar variation 4087984 (VCV004087984.1).
Genomic context (GRCh38, chr19:12,703,759, plus strand): 5'-AGGCGAGTGTCGTACCGATACAGGGCTTGACATGGATGAAGCAGGCTTTGGTGAGGTCTC[C>T]CAGGAGGGCAAAGGAGCTCTGCCGGACCTCAGGCATCGAGTCCTGGGGATTCAAGTAAGA-3'
Protein context (NP_001369170.1, residues 679-699): EVRQSSFALL[Gly689Arg]DLTKACFIHV

ClinVar aggregate classification (germline): Uncertain significance (1 of 4 stars; one submission).

Submission:

GeneDx
Classification: Uncertain significance. Last evaluated: 2025-03-26. Review status: criteria provided, single submitter. Criteria: GeneDx Variant Classification Process June 2021. Collection method: clinical testing. Allele origin: germline. Affected: yes.
Comment: Not observed at significant frequency in large population cohorts (gnomAD); In silico analysis supports that this missense variant has a deleterious effect on protein structure/function; Has not been previously published as pathogenic or benign to our knowledge